The following is an entry in ClinVar:

NM_138413.4(HOGA1):c.365C>T (p.Thr122Ile)

Gene: HOGA1 (4-hydroxy-2-oxoglutarate aldolase 1; plus strand). Cytogenetic location: 10q24.2.
Variant type: single nucleotide variant.
Coding change: c.365C>T on transcript NM_138413.4 (MANE Select); coding-DNA position 365, C replaced by T.
Protein change: p.Thr122Ile; replaces threonine 122 with isoleucine.
Molecular consequence: missense variant. On other transcripts: intron variant (1).
Genome position (GRCh38, 1-based): chr10:97,599,113, C>T. VCF-style: chr10-97599113-C-T. GRCh37 (hg19) VCF-style: chr10-99358870-C-T.
Other names: c.365C>T (NM_138413.3); c.212-2744C>T (NM_001134670.2); short protein forms T122I.
Identifiers: ClinVar variation 2664116 (VCV002664116.2), dbSNP rs143213321, ClinGen allele CA5634077.

ClinVar aggregate classification (germline): Uncertain significance. Review status: criteria provided, multiple submitters, no conflicts (2 of 4 stars). 2 submissions from 2 submitters: Uncertain significance (2). Last evaluated 2023-12-31.

Conditions:
Inborn genetic diseases. Identifiers: MedGen C0950123, MeSH D030342.
Primary hyperoxaluria type 3. Also called: PH III. Identifiers: Orphanet 416, Orphanet 93600, MedGen C3150878, MONDO:0013327, OMIM 613616. Disease mechanism: loss of function.

Allele frequency attached by ClinVar (database versions not stated): gnomAD 0.00001; TOPMed 0.00001; ExAC 0.00002; gnomAD exomes 0.00003; ESP Exome Variant Server 0.00015.
gnomAD v4.1: 46 of 1,613,496 alleles (0.0029%); highest among the groups gnomAD compares: Non-Finnish European, 0.0036%; no homozygotes.

Submissions (2):

Ambry Genetics
Classification: Uncertain significance for Inborn genetic diseases. Last evaluated: 2023-12-31. Review status: criteria provided, single submitter. Criteria: Ambry Variant Classification Scheme 2023. Collection method: clinical testing. Allele origin: germline.

Rare Kidney Stone Consortium and the Mayo Clinic Hyperoxaluria Center, Mayo Clinic
Classification: Uncertain significance for Primary hyperoxaluria type 3. Last evaluated: 2023-10-27. Review status: criteria provided, single submitter. Criteria: ACMG Guidelines, 2015. Collection method: curation. Allele origin: germline.
Comment: ACMG:PM2 PP3 BP1

Literature cited by the submitters: PubMed 25644115 (cited by Rare Kidney Stone Consortium and the Mayo Clinic Hyperoxaluria Center, Mayo Clinic).